The following is an entry in ClinVar:

NM_004974.4(KCNA2):c.963C>T (p.Leu321=)

Gene: KCNA2 (potassium voltage-gated channel subfamily A member 2; minus strand). Cytogenetic location: 1p13.3.
Variant type: single nucleotide variant.
Coding change: c.963C>T on transcript NM_004974.4 (MANE Select); coding-DNA position 963, C replaced by T.
Protein change: p.Leu321=; no amino-acid change (leucine 321 retained).
Molecular consequence: synonymous variant. On other transcripts: intron variant (1).
Genome position (GRCh38, 1-based): chr1:110,603,820, G>A on the plus strand (C>T on the coding strand, the complement: KCNA2 is on the minus strand). VCF-style: chr1-110603820-G-A. GRCh37 (hg19) VCF-style: chr1-111146442-G-A.
Other names: c.894+69C>T (NM_001204269.2).
Identifiers: ClinVar variation 3390191 (VCV003390191.14).

ClinVar aggregate classification (germline): Likely benign (1 of 4 stars; one submission).

gnomAD v4.1: 1 of 1,614,146 alleles (0.000062%); highest among the groups gnomAD compares: Non-Finnish European, 0.000085%; no homozygotes.

Submission:

CeGaT Center for Human Genetics Tuebingen
Classification: Likely benign. Last evaluated: 2024-11-01. Review status: criteria provided, single submitter. Criteria: CeGaT Center For Human Genetics Tuebingen Variant Classification Criteria Version 2. Collection method: clinical testing. Allele origin: germline. Affected: yes. Observed: 1 variant allele.
Comment: KCNA2: BP4, BP7